The following is an entry in ClinVar:

ClinVar aggregate classification (germline): Uncertain significance (1 of 4 stars; one submission).

Submission:

Dasa
Classification: Uncertain significance. Last evaluated: 2025-07-02. Review status: criteria provided, single submitter. Criteria: DASA Assertion Criteria. Collection method: clinical testing. Allele origin: germline.
Comment: NM_020191.4(MRPS22):c.1031_1034del (p.Leu344Hisfs*27) is a frameshift variant in MRPS22 predicted to alter the reading frame and introduce a premature termination codon and is predicted to result in an absent or altered protein product. This variant is rare in population databases. The currently available literature and clinical evidence are not sufficient to establish a definitive association between this variant and the reported condition. Therefore, this variant is classified as a variant of uncertain significance.

NM_020191.4(MRPS22):c.1031_1034del (p.Leu344fs)

Gene: MRPS22 (mitochondrial ribosomal protein S22; plus strand). Cytogenetic location: 3q23.
Variant type: Deletion.
Coding change: c.1031_1034del on transcript NM_020191.4 (MANE Select); coding-DNA positions 1031 to 1034, 4 bases deleted (TAAC; older notation c.1031_1034delTAAC).
Protein change: p.Leu344fs; shifts the reading frame from leucine 344.
Molecular consequence: frameshift variant.
Genome position (GRCh38, 1-based): chr3:139,356,962-139,356,965, TAAC deleted; deleting any 4 consecutive bases within chr3:139,356,959-139,356,965 gives the same sequence; the c. name uses the placement nearest the transcript's 3' end. VCF-style (leftmost placement, unchanged base first): chr3-139356958-GAACT-G. GRCh37 (hg19) VCF-style: chr3-139075800-GAACT-G.
Other names: c.908_911del, p.Leu303fs (NM_001363857.1); c.1028_1031del, p.Leu343fs (NM_001363893.1); short protein forms L303fs, L343fs, L344fs.
Identifiers: ClinVar variation 4884072 (VCV004884072.2).